The following is an entry in ClinVar:

ClinVar aggregate classification (germline): Uncertain significance (1 of 4 stars; one submission).

Allele frequency attached by ClinVar (database versions not stated): gnomAD exomes below 0.00001.
gnomAD v4.1: 3 of 1,614,256 alleles (0.00019%); highest among the groups gnomAD compares: Non-Finnish European, 0.00025%; no homozygotes.

Submission:

Labcorp Genetics (formerly Invitae), Labcorp
Classification: Uncertain significance. Last evaluated: 2023-03-04. Review status: criteria provided, single submitter. Criteria: Invitae Variant Classification Sherloc (09022015). Collection method: clinical testing. Allele origin: germline.
Comment: In summary, the available evidence is currently insufficient to determine the role of this variant in disease. Therefore, it has been classified as a Variant of Uncertain Significance. An algorithm developed to predict the effect of missense changes on protein structure and function (PolyPhen-2) suggests that this variant is likely to be disruptive. This variant has not been reported in the literature in individuals affected with NR3C1-related conditions. This variant is not present in population databases (gnomAD no frequency). This sequence change replaces leucine, which is neutral and non-polar, with glutamine, which is neutral and polar, at codon 88 of the NR3C1 protein (p.Leu88Gln).

NM_000176.3(NR3C1):c.263T>A (p.Leu88Gln)

Genes: NR3C1 (nuclear receptor subfamily 3 group C member 1; minus strand), LOC129994918 (ATAC-STARR-seq lymphoblastoid active region 23342; plus strand). Cytogenetic location: 5q31.3.
Variant type: single nucleotide variant.
Coding change: c.263T>A on transcript NM_000176.3 (MANE Select); coding-DNA position 263, T replaced by A.
Protein change: p.Leu88Gln; replaces leucine 88 with glutamine.
Molecular consequence: missense variant. On other transcripts: 5 prime UTR variant (5).
Genome position (GRCh38, 1-based): chr5:143,400,577, A>T on the plus strand (T>A on the coding strand, the complement: NR3C1 is on the minus strand). VCF-style: chr5-143400577-A-T. GRCh37 (hg19) VCF-style: chr5-142780142-A-T.
Other names: c.263T>A, p.Leu88Gln (NM_001018074.1, NM_001018075.1, NM_001018076.2 and 10 more transcripts); c.185T>A, p.Leu62Gln (NM_001204258.2); c.8T>A, p.Leu3Gln (NM_001204259.2); c.-5T>A (NM_001204260.2); c.-29T>A (NM_001204261.2); c.-683T>A (NM_001204262.2); c.-728T>A (NM_001204263.2); c.-743T>A (NM_001204264.2); short protein forms L3Q, L62Q, L88Q.
Identifiers: ClinVar variation 2796048 (VCV002796048.3), dbSNP rs2480138329, ClinGen allele CA361866955.